The following is an entry in ClinVar:

ClinVar aggregate classification (germline): Pathogenic (1 of 4 stars; one submission).

Conditions:
Inborn error of hematopoiesis and immunity with systemic inflammation and normocytic anemia.

Submission:

St. Anna Children's Cancer Research Institute (CCRI)
Classification: Pathogenic for Inborn error of hematopoiesis and immunity with systemic inflammation and normocytic anemia. Last evaluated: 2023-03-15. Review status: criteria provided, single submitter. Criteria: ACMG Guidelines, 2015. Collection method: research. Allele origin: germline. Inheritance: X-linked recessive inheritance. Affected: yes.
Comment: Well-established in vitro or in vivo functional studies supportive of a damaging effect on the gene or gene product. Absent from controls (or at extremely low frequency if recessive) in Exome Sequencing Project, 1000 Genomes or ExAC. Protein length changes due to in-frame deletions/insertions in a non-repeat region or stop-loss variants. Multiple lines of computational evidence support a deleterious effect on the gene or gene product (conservation, evolutionary, splicing impact, etc).

NM_144658.4(DOCK11):c.1718+5G>A

Gene: DOCK11 (dedicator of cytokinesis 11; plus strand). Cytogenetic location: Xq24.
Variant type: single nucleotide variant.
Coding change: c.1718+5G>A on transcript NM_144658.4 (MANE Select); 5 bases into the intron after coding-DNA position 1718, G replaced by A.
Molecular consequence: intron variant.
Genome position (GRCh38, 1-based): chrX:118,584,862, G>A. VCF-style: chrX-118584862-G-A. GRCh37 (hg19) VCF-style: chrX-117718825-G-A.
Identifiers: ClinVar variation 2444459 (VCV002444459.2), dbSNP rs2521932028, ClinGen allele CA2580612463.